The following is an entry in ClinVar:

NM_014967.5(FAN1):c.2219C>T (p.Thr740Met)

Genes: FAN1 (FANCD2 and FANCI associated nuclease 1; plus strand), MTMR10 (myotubularin related protein 10; minus strand). Cytogenetic location: 15q13.3.
Variant type: single nucleotide variant.
Coding change: c.2219C>T on transcript NM_014967.5 (MANE Select); coding-DNA position 2219, C replaced by T.
Protein change: p.Thr740Met; replaces threonine 740 with methionine.
Molecular consequence: missense variant.
Genome position (GRCh38, 1-based): chr15:30,925,173, C>T. VCF-style: chr15-30925173-C-T. GRCh37 (hg19) VCF-style: chr15-31217376-C-T.
Other names: short protein forms T740M.
Identifiers: ClinVar variation 2634905 (VCV002634905.5), dbSNP rs150269455, ClinGen allele CA7450536.

ClinVar aggregate classification (germline): Uncertain significance. Review status: criteria provided, multiple submitters, no conflicts (2 of 4 stars). 3 submissions from 3 submitters: Uncertain significance (2). 1 of the submissions does not count toward it. Last evaluated 2025-02-07.

Conditions:
Inborn genetic diseases. Identifiers: MedGen C0950123, MeSH D030342.
FAN1-related disorder. Also called: FAN1-related condition.
Karyomegalic interstitial nephritis. Identifiers: Orphanet 401996, MedGen C3553774, MONDO:0013898, OMIM 614817.

Allele frequency attached by ClinVar (database versions not stated): gnomAD exomes 0.00003; TOPMed 0.00008; gnomAD 0.00009; ExAC 0.00012; ESP Exome Variant Server 0.00015.
gnomAD v4.1: 61 of 1,613,842 alleles (0.0038%); highest among the groups gnomAD compares: African/African-American, 0.024%; no homozygotes.

Submissions (3):

Ambry Genetics
Classification: Uncertain significance for Inborn genetic diseases. Last evaluated: 2025-02-07. Review status: criteria provided, single submitter. Criteria: Ambry Variant Classification Scheme 2023. Collection method: clinical testing. Allele origin: germline.

Fulgent Genetics
Classification: Uncertain significance for Karyomegalic interstitial nephritis. Last evaluated: 2024-05-10. Review status: criteria provided, single submitter. Criteria: ACMG Guidelines, 2015. Collection method: clinical testing. Allele origin: germline.

PreventionGenetics, part of Exact Sciences
Classification: Uncertain significance for FAN1-related condition. Last evaluated: 2023-12-19. Review status: no assertion criteria provided. Collection method: clinical testing. Allele origin: germline. Not counted in ClinVar's aggregate classification.
Comment: The FAN1 c.2219C>T variant is predicted to result in the amino acid substitution p.Thr740Met. To our knowledge, this variant has not been reported in the literature. This variant is reported in 0.028% of alleles in individuals of African descent in gnomAD. At this time, the clinical significance of this variant is uncertain due to the absence of conclusive functional and genetic evidence.